The following is an entry in ClinVar:

NM_020533.3(MCOLN1):c.874_877delinsTACT (p.His292_Gly293delinsTyrTer)

Gene: MCOLN1 (mucolipin TRP cation channel 1; plus strand). Cytogenetic location: 19p13.2.
Variant type: Indel.
Coding change: c.874_877delinsTACT on transcript NM_020533.3 (MANE Select); coding-DNA positions 874 to 877, CACG replaced by TACT.
Protein change: p.His292_Gly293delinsTyrTer.
Molecular consequence: nonsense.
Genome position (GRCh38, 1-based): chr19:7,528,254-7,528,257, CACG replaced by TACT. VCF-style: chr19-7528254-CACG-TACT. GRCh37 (hg19) VCF-style: chr19-7593140-CACG-TACT.
Identifiers: ClinVar variation 970981 (VCV000970981.6), dbSNP rs2022601213, ClinGen allele CA1139666205.
Genomic context (GRCh38, chr19:7,528,254, plus strand): 5'-CCCATCAGCCTGGAGACCCAGGCCCACATCCAGGAGTGTAAGCACCCCAGTGTCTTCCAG[CACG>TACT]GTGAGCCCCTGAGCCCCAGACCAGCACTGACCAGGGGCCCTGGCCTGTCCTGGGATTCCC-3'

ClinVar aggregate classification (germline): Pathogenic (1 of 4 stars; one submission).

Conditions:
Mucolipidosis type IV (ML4). Also called: ML IV. Identifiers: Orphanet 578, MedGen C0238286, MONDO:0009653, OMIM 252650.

Submission:

Labcorp Genetics (formerly Invitae), Labcorp
Classification: Pathogenic for Mucolipidosis type IV. Last evaluated: 2019-09-10. Review status: criteria provided, single submitter. Criteria: Invitae Variant Classification Sherloc (09022015). Collection method: clinical testing. Allele origin: germline.
Comment: For these reasons, this variant has been classified as Pathogenic. Loss-of-function variants in MCOLN1 are known to be pathogenic (PMID: 11030752, 11317355). This variant has not been reported in the literature in individuals with MCOLN1-related conditions. This variant is not present in population databases (ExAC no frequency). This sequence change creates a premature translational stop signal (p.Gly293*) in the MCOLN1 gene. It is expected to result in an absent or disrupted protein product.

Literature cited by the submitters: PubMed 11030752; PubMed 11317355.